The following is an entry in ClinVar:

ClinVar aggregate classification (germline): Uncertain significance (1 of 4 stars; one submission).

Conditions:
Tuberous sclerosis 1 (TSC1). Identifiers: Orphanet 805, MedGen C1854465, MONDO:0008612, OMIM 191100.

Submission:

Labcorp Genetics (formerly Invitae), Labcorp
Classification: Uncertain significance for Tuberous sclerosis 1. Last evaluated: 2023-10-04. Review status: criteria provided, single submitter. Criteria: Invitae Variant Classification Sherloc (09022015). Collection method: clinical testing. Allele origin: germline.
Comment: This sequence change replaces glutamic acid, which is acidic and polar, with glutamine, which is neutral and polar, at codon 1017 of the TSC1 protein (p.Glu1017Gln). This variant is not present in population databases (gnomAD no frequency). This variant has not been reported in the literature in individuals affected with TSC1-related conditions. Advanced modeling of protein sequence and biophysical properties (such as structural, functional, and spatial information, amino acid conservation, physicochemical variation, residue mobility, and thermodynamic stability) performed at Invitae indicates that this missense variant is not expected to disrupt TSC1 protein function. In summary, the available evidence is currently insufficient to determine the role of this variant in disease. Therefore, it has been classified as a Variant of Uncertain Significance.

NM_000368.5(TSC1):c.3049G>C (p.Glu1017Gln)

Gene: TSC1 (TSC complex subunit 1; minus strand). Cytogenetic location: 9q34.13.
Variant type: single nucleotide variant.
Coding change: c.3049G>C on transcript NM_000368.5 (MANE Select); coding-DNA position 3049, G replaced by C.
Protein change: p.Glu1017Gln; replaces glutamic acid 1017 with glutamine.
Molecular consequence: missense variant. On other transcripts: non-coding transcript variant (5).
Genome position (GRCh38, 1-based): chr9:132,896,681, C>G on the plus strand (G>C on the coding strand, the complement: TSC1 is on the minus strand). VCF-style: chr9-132896681-C-G. GRCh37 (hg19) VCF-style: chr9-135772068-C-G.
Other names: c.1996G>C, p.Glu666Gln (NM_001406629.1, NM_001406630.1); c.3046G>C, p.Glu1016Gln (NM_001162426.2, NM_001406597.1, NM_001406598.1 and 2 more transcripts); c.2896G>C, p.Glu966Gln (NM_001162427.2, NM_001406610.1); c.2686G>C, p.Glu896Gln (NM_001362177.2, NM_001406614.1, NM_001406615.1 and 4 more transcripts); c.3049G>C, p.Glu1017Gln (NM_001406592.1, NM_001406593.1, NM_001406594.1 and 2 more transcripts); c.3034G>C, p.Glu1012Gln (NM_001406601.1, NM_001406602.1); c.3031G>C, p.Glu1011Gln (NM_001406603.1, NM_001406604.1); c.3007G>C, p.Glu1003Gln (NM_001406605.1, NM_001406606.1, NM_001406607.1); and 8 more; short protein forms E1002Q, E1011Q, E700Q, E882Q, E1016Q, E881Q, E1003Q, E896Q.
Identifiers: ClinVar variation 2739266 (VCV002739266.3), dbSNP rs1554812930, ClinGen allele CA375367709.